The following is an entry in ClinVar:

NM_138694.4(PKHD1):c.1602+4G>A

Gene: PKHD1 (PKHD1 ciliary IPT domain containing fibrocystin/polyductin; minus strand). Cytogenetic location: 6p12.2.
Variant type: single nucleotide variant.
Coding change: c.1602+4G>A on transcript NM_138694.4 (MANE Select); 4 bases into the intron after coding-DNA position 1602, G replaced by A.
Molecular consequence: intron variant.
Genome position (GRCh38, 1-based): chr6:52,056,886, C>T on the plus strand (G>A on the coding strand, the complement: PKHD1 is on the minus strand). VCF-style: chr6-52056886-C-T. GRCh37 (hg19) VCF-style: chr6-51921684-C-T.
Other names: c.1602+4G>A (NM_138694.3, NM_170724.3).
Identifiers: ClinVar variation 501166 (VCV000501166.6), dbSNP rs374817290, ClinGen allele CA3853513.

ClinVar aggregate classification (germline): Conflicting classifications of pathogenicity. Review status: criteria provided, conflicting classifications (1 of 4 stars). 2 submissions from 2 submitters: Uncertain significance (1); Likely benign (1). Last evaluated 2025-02-10.

Conditions:
PKHD1-related disorder. Also called: PKHD1-related condition.

Allele frequency attached by ClinVar (database versions not stated): gnomAD exomes below 0.00001 and 0.00001; ExAC 0.00001; gnomAD 0.00004; TOPMed 0.00006; ESP Exome Variant Server 0.00008.
gnomAD v4.1: 12 of 1,610,996 alleles (0.00074%); highest among the groups gnomAD compares: African/African-American, 0.016%; no homozygotes.

Submissions (2):

PreventionGenetics, part of Exact Sciences
Classification: Likely benign for PKHD1-related condition. Last evaluated: 2025-02-10. Review status: criteria provided, single submitter. Criteria: ACMG Guidelines, 2015. Collection method: clinical testing. Allele origin: germline.
Comment: This variant is classified as likely benign based on ACMG/AMP sequence variant interpretation guidelines (Richards et al. 2015 PMID: 25741868, with internal and published modifications).

Eurofins Ntd Llc (ga)
Classification: Uncertain significance. Last evaluated: 2017-03-30. Review status: criteria provided, single submitter. Criteria: EGL Classification Definitions 2015. Collection method: clinical testing. Allele origin: germline. Observed: 1 variant allele, 1 heterozygote.